The following is an entry in ClinVar:

ClinVar aggregate classification (germline): Uncertain significance. Review status: criteria provided, multiple submitters, no conflicts (2 of 4 stars). 2 submissions from 2 submitters: Uncertain significance (2). Last evaluated 2022-10-19.

Allele frequency attached by ClinVar (database versions not stated): ExAC 0.00002; gnomAD 0.00002 and 0.00003; gnomAD exomes 0.00002 and 0.00003; TOPMed 0.00004.
gnomAD v4.1: 35 of 1,613,858 alleles (0.0022%); highest among the groups gnomAD compares: Middle Eastern, 0.033%; no homozygotes.

Submissions (2):

Labcorp Genetics (formerly Invitae), Labcorp
Classification: Uncertain significance. Last evaluated: 2022-10-19. Review status: criteria provided, single submitter. Criteria: Invitae Variant Classification Sherloc (09022015). Collection method: clinical testing. Allele origin: germline.
Comment: Algorithms developed to predict the effect of missense changes on protein structure and function output the following: SIFT: "Deleterious"; PolyPhen-2: "Benign"; Align-GVGD: "Class C0". The glutamine amino acid residue is found in multiple mammalian species, which suggests that this missense change does not adversely affect protein function. This sequence change replaces arginine, which is basic and polar, with glutamine, which is neutral and polar, at codon 4208 of the FAT1 protein (p.Arg4208Gln). This variant is present in population databases (rs751626816, gnomAD 0.03%). This variant has not been reported in the literature in individuals affected with FAT1-related conditions. ClinVar contains an entry for this variant (Variation ID: 597995). In summary, the available evidence is currently insufficient to determine the role of this variant in disease. Therefore, it has been classified as a Variant of Uncertain Significance.

Eurofins Ntd Llc (ga)
Classification: Uncertain significance. Last evaluated: 2018-07-11. Review status: criteria provided, single submitter. Criteria: EGL ClinVar v180209 classification definitions. Collection method: clinical testing. Allele origin: germline. Observed: 1 variant allele, 1 heterozygote.

NM_005245.4(FAT1):c.12623G>A (p.Arg4208Gln)

Gene: FAT1 (FAT atypical cadherin 1; minus strand). Cytogenetic location: 4q35.2.
Variant type: single nucleotide variant.
Coding change: c.12623G>A on transcript NM_005245.4 (MANE Select); coding-DNA position 12623, G replaced by A.
Protein change: p.Arg4208Gln; replaces arginine 4208 with glutamine.
Molecular consequence: missense variant.
Genome position (GRCh38, 1-based): chr4:186,596,917, C>T on the plus strand (G>A on the coding strand, the complement: FAT1 is on the minus strand). VCF-style: chr4-186596917-C-T. GRCh37 (hg19) VCF-style: chr4-187518071-C-T.
Other names: short protein forms R4208Q.
Identifiers: ClinVar variation 597995 (VCV000597995.9), dbSNP rs751626816, ClinGen allele CA3164772.